The following is an entry in ClinVar:

NM_022765.4(MICAL1):c.2083G>A (p.Asp695Asn)

Gene: MICAL1 (microtubule associated monooxygenase, calponin and LIM domain containing 1; minus strand). Cytogenetic location: 6q21.
Variant type: single nucleotide variant.
Coding change: c.2083G>A on transcript NM_022765.4 (MANE Select); coding-DNA position 2083, G replaced by A.
Protein change: p.Asp695Asn; replaces aspartic acid 695 with asparagine.
Molecular consequence: missense variant.
Genome position (GRCh38, 1-based): chr6:109,447,217, C>T on the plus strand (G>A on the coding strand, the complement: MICAL1 is on the minus strand). VCF-style: chr6-109447217-C-T. GRCh37 (hg19) VCF-style: chr6-109768420-C-T.
Other names: c.1825G>A, p.Asp609Asn (NM_001159291.2); c.2140G>A, p.Asp714Asn (NM_001286613.2); short protein forms D714N, D609N, D695N.
Identifiers: ClinVar variation 2831960 (VCV002831960.3), dbSNP rs2482780196, ClinGen allele CA365225815.
Genomic context (GRCh38, chr6:109,447,217, plus strand): 5'-GGCCGTTGACACAGAGGCGTTCCAGGACATAGAGGTGTTCCCCACAAAGTGCACACAGGT[C>T]CCCAGCACCGGCCTGCGTGGACCCCCAGGACACAGGGTCAGGTGGAGCCAAGGCCAGCTC-3'
Protein context (NP_073602.3, residues 685-705): PSQHQEAGAG[Asp695Asn]LCALCGEHLY

ClinVar aggregate classification (germline): Uncertain significance (1 of 4 stars; one submission).

Submission:

Labcorp Genetics (formerly Invitae), Labcorp
Classification: Uncertain significance. Last evaluated: 2023-04-01. Review status: criteria provided, single submitter. Criteria: Invitae Variant Classification Sherloc (09022015). Collection method: clinical testing. Allele origin: germline.
Comment: This sequence change replaces aspartic acid, which is acidic and polar, with asparagine, which is neutral and polar, at codon 714 of the MICAL1 protein (p.Asp714Asn). This variant is not present in population databases (gnomAD no frequency). This variant has not been reported in the literature in individuals affected with MICAL1-related conditions. An algorithm developed to predict the effect of missense changes on protein structure and function (PolyPhen-2) suggests that this variant is likely to be tolerated. In summary, the available evidence is currently insufficient to determine the role of this variant in disease. Therefore, it has been classified as a Variant of Uncertain Significance.